The following is an entry in ClinVar:

NM_000053.4(ATP7B):c.2805G>A (p.Thr935=)

Gene: ATP7B (ATPase copper transporting beta; minus strand). Cytogenetic location: 13q14.3.
Variant type: single nucleotide variant.
Coding change: c.2805G>A on transcript NM_000053.4 (MANE Select); coding-DNA position 2805, G replaced by A.
Protein change: p.Thr935=; no amino-acid change (threonine 935 retained).
Molecular consequence: synonymous variant. On other transcripts: intron variant (1).
Genome position (GRCh38, 1-based): chr13:51,949,722, C>T on the plus strand (G>A on the coding strand, the complement: ATP7B is on the minus strand). VCF-style: chr13-51949722-C-T. GRCh37 (hg19) VCF-style: chr13-52523858-C-T.
Other names: c.2805G>A (NM_000053.3); c.2472G>A, p.Thr824= (NM_001243182.2); c.2571G>A, p.Thr857= (NM_001330578.2); c.2553G>A, p.Thr851= (NM_001330579.2); c.2244+285G>A (NM_001005918.3).
Identifiers: ClinVar variation 1152894 (VCV001152894.40), dbSNP rs141872590, ClinGen allele CA6988907.
Genomic context (GRCh38, chr13:51,949,722, plus strand): 5'-AGGAAAGTATCTCTGAACAACACCAAAATCGATAAAACCGATTACAATCCATACCACCAA[C>T]GTCAAAGTTGACATGATGATGATAAATGGGACAAAATATCCACTAAACCGGTCAGCCAGC-3'
Protein context (NP_000044.2, residues 925-945): VPFIIIMSTL[Thr935=]LVVWIVIGFI

ClinVar aggregate classification (germline): Likely benign. Review status: criteria provided, multiple submitters, no conflicts (2 of 4 stars). 6 submissions from 6 submitters: Likely benign (5). 1 of the submissions does not count toward it. Last evaluated 2026-04-01.

Conditions:
Wilson disease (WND). Also called: Wilson's disease. Identifiers: Orphanet 905, MedGen C0019202, MONDO:0010200, OMIM 277900. Disease mechanism: loss of function.
ATP7B-related disorder. Also called: ATP7B-related condition.

Allele frequency attached by ClinVar (database versions not stated): gnomAD exomes 0.00005 and 0.00010; gnomAD 0.00008; TOPMed 0.00009; ExAC 0.00012; 1000 Genomes Project 0.00020; 1000 Genomes Project 30x 0.00031.
gnomAD v4.1: 93 of 1,614,128 alleles (0.0058%); highest among the groups gnomAD compares: Middle Eastern, 0.033%; no homozygotes.

Submissions (6):

CeGaT Center for Human Genetics Tuebingen
Classification: Likely benign. Last evaluated: 2026-04-01. Review status: criteria provided, single submitter. Criteria: CeGaT Center For Human Genetics Tuebingen Variant Classification Criteria Version 2. Collection method: clinical testing. Allele origin: germline. Affected: yes. Observed: 3 variant alleles.
Comment: ATP7B: BP4, BP7

Labcorp Genetics (formerly Invitae), Labcorp
Classification: Likely benign for Wilson disease. Last evaluated: 2026-01-05. Review status: criteria provided, single submitter. Criteria: Invitae Variant Classification Sherloc (09022015). Collection method: clinical testing. Allele origin: germline.

All of Us Research Program, National Institutes of Health
Classification: Likely benign for Wilson disease. Last evaluated: 2023-11-30. Review status: criteria provided, single submitter. Criteria: ACMG Guidelines, 2015. Collection method: clinical testing. Allele origin: germline. Inheritance: Autosomal recessive inheritance. Observed: 12 variant alleles, 12 heterozygotes.
Comment: This study involves interpretation of variants in research participants for the purpose of population health screening. Participant phenotype was not available at the time of variant classification. Additional details can be found in publication PMID: 35346344, PMCID: PMC8962531

Blueprint Genetics
Classification: Likely benign. Last evaluated: 2023-11-09. Review status: criteria provided, single submitter. Criteria: ACMG Guidelines, 2015. Collection method: clinical testing. Allele origin: germline.

Color Diagnostics, LLC DBA Color Health
Classification: Likely benign for Wilson disease. Last evaluated: 2022-08-05. Review status: criteria provided, single submitter. Criteria: ACMG Guidelines, 2015. Collection method: clinical testing. Allele origin: germline.

PreventionGenetics, part of Exact Sciences
Classification: Likely benign for ATP7B-related condition. Last evaluated: 2021-11-24. Review status: no assertion criteria provided. Collection method: clinical testing. Allele origin: germline. Not counted in ClinVar's aggregate classification.
Comment: This variant is classified as likely benign based on ACMG/AMP sequence variant interpretation guidelines (Richards et al. 2015 PMID: 25741868, with internal and published modifications).